The following is an entry in ClinVar:

ClinVar aggregate classification (germline): Benign. Review status: criteria provided, multiple submitters, no conflicts (2 of 4 stars). 11 submissions from 10 submitters: Benign (8). 3 of the submissions do not count toward it. Last evaluated 2026-02-04.

Conditions:
Rapadilino syndrome. Identifiers: Orphanet 3021, MedGen C1849453, MONDO:0009955, OMIM 266280.
Baller-Gerold syndrome (BGS). Also called: CRANIOSYNOSTOSIS WITH RADIAL DEFECTS. Identifiers: Orphanet 1225, MedGen C0265308, MONDO:0009039, OMIM 218600.
Rothmund-Thomson syndrome type 2 (RTS2). Identifiers: Orphanet 221016, MedGen C5203410, MONDO:0016369, OMIM 268400.

Allele frequency attached by ClinVar (database versions not stated): 1000 Genomes Project 0.01538; gnomAD 0.02172 and 0.02229; TOPMed 0.02398; ExAC 0.02469; ESP Exome Variant Server 0.02578.
gnomAD v4.1: 46,569 of 1,611,922 alleles (2.9%); highest among the groups gnomAD compares: Middle Eastern, 9.7%; 814 homozygotes.

Submissions (11):

Labcorp Genetics (formerly Invitae), Labcorp
Classification: Benign for Baller-Gerold syndrome. Last evaluated: 2026-02-04. Review status: criteria provided, single submitter. Criteria: Invitae Variant Classification Sherloc (09022015). Collection method: clinical testing. Allele origin: germline.

KCCC/NGS Laboratory, Kuwait Cancer Control Center
Classification: Benign for Rapadilino syndrome. Last evaluated: 2025-02-01. Review status: criteria provided, single submitter. Criteria: ACMG Guidelines, 2015. Collection method: clinical testing. Allele origin: germline. Affected: no.

Blueprint Genetics
Classification: Benign. Last evaluated: 2024-11-27. Review status: criteria provided, single submitter. Criteria: ACMG Guidelines, 2015. Collection method: clinical testing. Allele origin: germline.

KCCC/NGS Laboratory, Kuwait Cancer Control Center
Classification: Benign for Rothmund-Thomson syndrome type 2. Last evaluated: 2023-07-07. Review status: criteria provided, single submitter. Criteria: ACMG Guidelines, 2015. Collection method: clinical testing. Allele origin: germline. Affected: yes.

Mayo Clinic Laboratories, Mayo Clinic
Classification: Benign. Last evaluated: 2022-09-06. Review status: criteria provided, single submitter. Criteria: ACMG Guidelines, 2015. Collection method: clinical testing. Allele origin: germline. Observed: 29 variant alleles.

GeneDx
Classification: Benign. Last evaluated: 2019-09-23. Review status: criteria provided, single submitter. Criteria: GeneDx Variant Classification Process June 2021. Collection method: clinical testing. Allele origin: germline. Affected: yes.
Comment: This variant is associated with the following publications: (PMID: 27247962)

Breakthrough Genomics
Classification: Benign. Review status: criteria provided, single submitter. Criteria: ACMG Guidelines, 2015. Collection method: not provided. Allele origin: germline. Inheritance: Autosomal recessive inheritance. Affected: yes.

PreventionGenetics, part of Exact Sciences
Classification: Benign. Review status: criteria provided, single submitter. Criteria: ACMG Guidelines, 2015. Collection method: clinical testing. Allele origin: germline.

Genome Diagnostics Laboratory, Amsterdam University Medical Center
Classification: Benign. Review status: no assertion criteria provided. Collection method: clinical testing. Allele origin: germline. Affected: yes. Study: VKGL Data-share Consensus. Not counted in ClinVar's aggregate classification.

Joint Genome Diagnostic Labs from Nijmegen and Maastricht, Radboudumc and MUMC+
Classification: Benign. Review status: no assertion criteria provided. Collection method: clinical testing. Allele origin: germline. Affected: yes. Study: VKGL Data-share Consensus. Not counted in ClinVar's aggregate classification.

Laboratory of Diagnostic Genome Analysis, Leiden University Medical Center (LUMC)
Classification: Likely benign. Review status: no assertion criteria provided. Collection method: clinical testing. Allele origin: germline. Affected: yes. Study: VKGL Data-share Consensus. Not counted in ClinVar's aggregate classification.

NM_004260.4(RECQL4):c.1258+6A>T

Gene: RECQL4 (RecQ like helicase 4; minus strand). Cytogenetic location: 8q24.3.
Variant type: single nucleotide variant.
Coding change: c.1258+6A>T on transcript NM_004260.4 (MANE Select); 6 bases into the intron after coding-DNA position 1258, A replaced by T.
Molecular consequence: intron variant.
Genome position (GRCh38, 1-based): chr8:144,515,758, T>A on the plus strand (A>T on the coding strand, the complement: RECQL4 is on the minus strand). VCF-style: chr8-144515758-T-A. GRCh37 (hg19) VCF-style: chr8-145741142-T-A.
Other names: p.?.
Identifiers: ClinVar variation 259257 (VCV000259257.21), dbSNP rs34437789, ClinGen allele CA4948974.